The following is an entry in ClinVar:

ClinVar aggregate classification (germline): Uncertain significance. Review status: criteria provided, multiple submitters, no conflicts (2 of 4 stars). 2 submissions from 2 submitters: Uncertain significance (2). Last evaluated 2023-10-16.

Conditions:
Inborn genetic diseases. Identifiers: MedGen C0950123, MeSH D030342.

Allele frequency attached by ClinVar (database versions not stated): gnomAD exomes 0.00001; ExAC 0.00007.
gnomAD v4.1: 22 of 1,613,142 alleles (0.0014%); highest among the groups gnomAD compares: South Asian, 0.021%; no homozygotes.

Submissions (2):

Labcorp Genetics (formerly Invitae), Labcorp
Classification: Uncertain significance. Last evaluated: 2023-10-16. Review status: criteria provided, single submitter. Criteria: Invitae Variant Classification Sherloc (09022015). Collection method: clinical testing. Allele origin: germline.
Comment: This sequence change replaces proline, which is neutral and non-polar, with leucine, which is neutral and non-polar, at codon 994 of the FAT4 protein (p.Pro994Leu). This variant is present in population databases (rs780164491, gnomAD 0.04%). This variant has not been reported in the literature in individuals affected with FAT4-related conditions. ClinVar contains an entry for this variant (Variation ID: 2152513). Advanced modeling of protein sequence and biophysical properties (such as structural, functional, and spatial information, amino acid conservation, physicochemical variation, residue mobility, and thermodynamic stability) performed at Invitae indicates that this missense variant is not expected to disrupt FAT4 protein function. In summary, the available evidence is currently insufficient to determine the role of this variant in disease. Therefore, it has been classified as a Variant of Uncertain Significance.

Ambry Genetics
Classification: Uncertain significance for Inborn genetic diseases. Last evaluated: 2023-03-14. Review status: criteria provided, single submitter. Criteria: Ambry Variant Classification Scheme 2023. Collection method: clinical testing. Allele origin: germline.

NM_001291303.3(FAT4):c.2981C>T (p.Pro994Leu)

Gene: FAT4 (FAT atypical cadherin 4; plus strand). Cytogenetic location: 4q28.1.
Variant type: single nucleotide variant.
Coding change: c.2981C>T on transcript NM_001291303.3 (MANE Select); coding-DNA position 2981, C replaced by T.
Protein change: p.Pro994Leu; replaces proline 994 with leucine.
Molecular consequence: missense variant.
Genome position (GRCh38, 1-based): chr4:125,319,392, C>T. VCF-style: chr4-125319392-C-T. GRCh37 (hg19) VCF-style: chr4-126240547-C-T.
Other names: c.2981C>T (NM_024582.4); c.2981C>T, p.Pro994Leu (NM_001291285.3, NM_024582.6); short protein forms P994L.
Identifiers: ClinVar variation 2152513 (VCV002152513.6), dbSNP rs780164491, ClinGen allele CA3072240.